The following is an entry in ClinVar:

ClinVar aggregate classification (germline): Uncertain significance (1 of 4 stars; one submission).

Conditions:
Spermatogenic failure 18. Identifiers: MedGen C4539783, MONDO:0054615, OMIM 617576.
Ciliary dyskinesia, primary, 37 (CILD37). Also called: CILIARY DYSKINESIA, PRIMARY, 37, WITH OR WITHOUT SITUS INVERSUS. Identifiers: MedGen C4539798, MONDO:0033204, OMIM 617577.

Allele frequency attached by ClinVar (database versions not stated): ESP Exome Variant Server 0.00008; TOPMed 0.00001; 1000 Genomes Project 0.00020; gnomAD 0.00002; ExAC 0.00003; 1000 Genomes Project 30x 0.00016.
gnomAD v4.1: 18 of 1,612,892 alleles (0.0011%); highest among the groups gnomAD compares: South Asian, 0.0044%; no homozygotes.

Submission:

Labcorp Genetics (formerly Invitae), Labcorp
Classification: Uncertain significance for Ciliary dyskinesia, primary, 37; Spermatogenic failure 18. Last evaluated: 2025-07-14. Review status: criteria provided, single submitter. Criteria: Invitae Variant Classification Sherloc (09022015). Collection method: clinical testing. Allele origin: germline.
Comment: This sequence change replaces arginine, which is basic and polar, with histidine, which is basic and polar, at codon 981 of the DNAH1 protein (p.Arg981His). This variant is present in population databases (rs374856706, gnomAD 0.02%). This variant has not been reported in the literature in individuals affected with DNAH1-related conditions. ClinVar contains an entry for this variant (Variation ID: 2048639). Invitae Evidence Modeling of protein sequence and biophysical properties (such as structural, functional, and spatial information, amino acid conservation, physicochemical variation, residue mobility, and thermodynamic stability) has been performed for this missense variant. However, the output from this modeling did not meet the statistical confidence thresholds required to predict the impact of this variant on DNAH1 protein function. In summary, the available evidence is currently insufficient to determine the role of this variant in disease. Therefore, it has been classified as a Variant of Uncertain Significance.

NM_015512.5(DNAH1):c.2942G>A (p.Arg981His)

Gene: DNAH1 (dynein axonemal heavy chain 1; plus strand). Cytogenetic location: 3p21.1.
Variant type: single nucleotide variant.
Coding change: c.2942G>A on transcript NM_015512.5 (MANE Select); coding-DNA position 2942, G replaced by A.
Protein change: p.Arg981His; replaces arginine 981 with histidine.
Molecular consequence: missense variant.
Genome position (GRCh38, 1-based): chr3:52,352,622, G>A. VCF-style: chr3-52352622-G-A. GRCh37 (hg19) VCF-style: chr3-52386638-G-A.
Other names: short protein forms R981H.
Identifiers: ClinVar variation 2048639 (VCV002048639.4), dbSNP rs374856706, ClinGen allele CA2433438.